The following is an entry in ClinVar:

ClinVar aggregate classification (germline): Benign/Likely benign. Review status: criteria provided, multiple submitters, no conflicts (2 of 4 stars). 5 submissions from 5 submitters: Benign (3); Likely benign (1). 1 of the submissions does not count toward it. Last evaluated 2026-08-01.

Conditions:
ACVRL1-related disorder. Also called: ACVRL1-related condition; ACVRL1-related disorders.
Cardiovascular phenotype. Identifiers: MedGen CN230736.
Telangiectasia, hereditary hemorrhagic, type 2 (HHT2). Also called: ACVRL1-Related Hereditary Hemorrhagic Telangiectasia; Telangiectasia, hereditary hemorrhagic, type II. Identifiers: Orphanet 774, MedGen C1838163, MONDO:0010880, OMIM 600376. Disease mechanism: loss of function.

Allele frequency attached by ClinVar (database versions not stated): gnomAD exomes 0.00008 and 0.00022; ExAC 0.00025; ESP Exome Variant Server 0.00062; gnomAD 0.00084 and 0.00090; TOPMed 0.00088; 1000 Genomes Project 0.00140; 1000 Genomes Project 30x 0.00172.
gnomAD v4.1: 244 of 1,613,696 alleles (0.015%); highest among the groups gnomAD compares: African/African-American, 0.29%; no homozygotes.

Submissions (5):

CeGaT Center for Human Genetics Tuebingen
Classification: Likely benign. Last evaluated: 2026-08-01. Review status: criteria provided, single submitter. Criteria: CeGaT Center For Human Genetics Tuebingen Variant Classification Criteria Version 2. Collection method: clinical testing. Allele origin: germline. Affected: yes. Observed: 2 variant alleles.
Comment: ACVRL1: BP4, BP7, BS1

Labcorp Genetics (formerly Invitae), Labcorp
Classification: Benign for Telangiectasia, hereditary hemorrhagic, type 2. Last evaluated: 2026-01-06. Review status: criteria provided, single submitter. Criteria: Invitae Variant Classification Sherloc (09022015). Collection method: clinical testing. Allele origin: germline.

Ambry Genetics
Classification: Benign for Cardiovascular phenotype. Last evaluated: 2025-08-19. Review status: criteria provided, single submitter. Criteria: Ambry Variant Classification Scheme 2023. Collection method: clinical testing. Allele origin: germline.

Breakthrough Genomics
Classification: Benign. Review status: criteria provided, single submitter. Criteria: ACMG Guidelines, 2015. Collection method: not provided. Allele origin: germline. Inheritance: Autosomal dominant inheritance. Affected: yes.

PreventionGenetics, part of Exact Sciences
Classification: Likely benign for ACVRL1-related condition. Last evaluated: 2019-07-30. Review status: no assertion criteria provided. Collection method: clinical testing. Allele origin: germline. Not counted in ClinVar's aggregate classification.
Comment: This variant is classified as likely benign based on ACMG/AMP sequence variant interpretation guidelines (Richards et al. 2015 PMID: 25741868, with internal and published modifications).

NM_000020.3(ACVRL1):c.543C>T (p.Asp181=)

Gene: ACVRL1 (activin A receptor like type 1; plus strand). Cytogenetic location: 12q13.13.
Variant type: single nucleotide variant.
Coding change: c.543C>T on transcript NM_000020.3 (MANE Select); coding-DNA position 543, C replaced by T.
Protein change: p.Asp181=; no amino-acid change (aspartic acid 181 retained).
Molecular consequence: synonymous variant.
Genome position (GRCh38, 1-based): chr12:51,913,991, C>T. VCF-style: chr12-51913991-C-T. GRCh37 (hg19) VCF-style: chr12-52307775-C-T.
Other names: c.543C>T, p.Asp181= (NM_001077401.2).
Identifiers: ClinVar variation 696582 (VCV000696582.32), dbSNP rs140970131, ClinGen allele CA6572937.
Genomic context (GRCh38, chr12:51,913,991, plus strand): 5'-GGCTGGTTGTGGCAGCCTCTCAGTGGCCTCTCCGTACCCCCAGGACCTCCTGGACAGTGA[C>T]TGCACCACAGGGAGTGGCTCAGGGCTCCCCTTCCTGGTGCAGAGGACAGTGGCACGGCAG-3'
Protein context (NP_000011.2, residues 171-191): DSMLGDLLDS[Asp181=]CTTGSGSGLP